The following is an entry in ClinVar:

ClinVar aggregate classification (germline): Uncertain significance. Review status: criteria provided, multiple submitters, no conflicts (2 of 4 stars). 2 submissions from 2 submitters: Uncertain significance (2). Last evaluated 2024-11-22.

Conditions:
Hereditary pancreatitis (PCTT). Also called: Hereditary chronic pancreatitis; PRSS1-Related Hereditary Pancreatitis. Identifiers: Orphanet 676, MedGen C0238339, MONDO:0008185, OMIM 167800.

gnomAD v4.1: 4 of 1,611,452 alleles (0.00025%); highest among the groups gnomAD compares: Admixed American, 0.0017%; no homozygotes.

Submissions (2):

Ambry Genetics
Classification: Uncertain significance for Hereditary pancreatitis. Last evaluated: 2024-11-22. Review status: criteria provided, single submitter. Criteria: Ambry Variant Classification Scheme 2023. Collection method: clinical testing. Allele origin: germline.
Comment: The p.T229K variant (also known as c.686C>A), located in coding exon 6 of the CPA1 gene, results from a C to A substitution at nucleotide position 686. The threonine at codon 229 is replaced by lysine, an amino acid with similar properties. This amino acid position is highly conserved in available vertebrate species. In addition, the in silico prediction for this alteration is inconclusive. Since supporting evidence is limited at this time, the clinical significance of this alteration remains unclear.

Labcorp Genetics (formerly Invitae), Labcorp
Classification: Uncertain significance. Last evaluated: 2024-07-11. Review status: criteria provided, single submitter. Criteria: Invitae Variant Classification Sherloc (09022015). Collection method: clinical testing. Allele origin: germline.
Comment: This sequence change replaces threonine, which is neutral and polar, with lysine, which is basic and polar, at codon 229 of the CPA1 protein (p.Thr229Lys). This variant is present in population databases (no rsID available, gnomAD 0.003%). This variant has not been reported in the literature in individuals affected with CPA1-related conditions. ClinVar contains an entry for this variant (Variation ID: 826673). Advanced modeling of protein sequence and biophysical properties (such as structural, functional, and spatial information, amino acid conservation, physicochemical variation, residue mobility, and thermodynamic stability) performed at Invitae indicates that this missense variant is expected to disrupt CPA1 protein function with a positive predictive value of 80%. In summary, the available evidence is currently insufficient to determine the role of this variant in disease. Therefore, it has been classified as a Variant of Uncertain Significance.

NM_001868.4(CPA1):c.686C>A (p.Thr229Lys)

Gene: CPA1 (carboxypeptidase A1; plus strand). Cytogenetic location: 7q32.2.
Variant type: single nucleotide variant.
Coding change: c.686C>A on transcript NM_001868.4 (MANE Select); coding-DNA position 686, C replaced by A.
Protein change: p.Thr229Lys; replaces threonine 229 with lysine.
Molecular consequence: missense variant.
Genome position (GRCh38, 1-based): chr7:130,383,784, C>A. VCF-style: chr7-130383784-C-A. GRCh37 (hg19) VCF-style: chr7-130023625-C-A.
Other names: short protein forms T229K.
Identifiers: ClinVar variation 826673 (VCV000826673.8), dbSNP rs781815975, ClinGen allele CA369282846.